The following is an entry in ClinVar:

NM_139058.3(ARX):c.303_323del (p.Ala109_Ala115del)

Genes: ARX (aristaless related homeobox; minus strand), LOC109610631 (aristaless related homeobox polyalanine expansion region; plus strand). Cytogenetic location: Xp21.3.
Variant type: Deletion.
Coding change: c.303_323del on transcript NM_139058.3 (MANE Select); coding-DNA positions 303 to 323, 21 bases deleted (AGCGGCGGCGGCGGCGGCGGC).
Protein change: p.Ala109_Ala115del.
Genome position (GRCh38, 1-based): chrX:25,013,672-25,013,692, GCCGCCGCCGCCGCCGCCGCT deleted on the plus strand (AGCGGCGGCGGCGGCGGCGGC on the coding strand, the reverse complement: ARX is on the minus strand); deleting any 21 consecutive bases within chrX:25,013,672-25,013,697 gives the same sequence; the c. name uses the placement nearest the transcript's 3' end. VCF-style (leftmost placement, unchanged base first): chrX-25013671-CGCCGCCGCCGCCGCCGCCGCT-C. GRCh37 (hg19) VCF-style: chrX-25031788-CGCCGCCGCCGCCGCCGCCGCT-C.
Identifiers: ClinVar variation 4790427 (VCV004790427.1).

ClinVar aggregate classification (germline): Uncertain significance (1 of 4 stars; one submission).

Conditions:
Intellectual disability, X-linked, with or without seizures, ARX-related. Also called: Mental retardation, X-linked 52; MENTAL RETARDATION, X-LINKED 29; MENTAL RETARDATION, X-LINKED 32; MENTAL RETARDATION, X-LINKED 33; MENTAL RETARDATION, X-LINKED 38; MENTAL RETARDATION, X-LINKED 43. Identifiers: Orphanet 777, MedGen C0796244, MONDO:0010317, OMIM 300419.
Developmental and epileptic encephalopathy, 1 (DEE1). Also called: X-linked infantile spasms; West's syndrome; Tonic spasms with clustering, arrest of psychomotor development and hypsarrhythmia on EEG; X-Linked Infantile Spasm Syndrome; OHTAHARA SYNDROME, X-LINKED; INFANTILE SPASM SYNDROME, X-LINKED 1. Identifiers: MedGen C3463992, MONDO:0010632, OMIM 308350. Disease mechanism: loss of function.

Submission:

Labcorp Genetics (formerly Invitae), Labcorp
Classification: Uncertain significance for Developmental and epileptic encephalopathy, 1; Intellectual disability, X-linked, with or without seizures, ARX-related. Last evaluated: 2025-02-19. Review status: criteria provided, single submitter. Criteria: Invitae Variant Classification Sherloc (09022015). Collection method: clinical testing. Allele origin: germline.
Comment: This variant, c.303_323del, results in the deletion of 7 amino acid(s) of the ARX protein (p.Ala109_Ala115del), but otherwise preserves the integrity of the reading frame. The frequency data for this variant in the population databases is considered unreliable, as metrics indicate insufficient coverage at this position in the gnomAD database. This variant has not been reported in the literature in individuals affected with ARX-related conditions. Experimental studies and prediction algorithms are not available or were not evaluated, and the functional significance of this variant is currently unknown. In summary, the available evidence is currently insufficient to determine the role of this variant in disease. Therefore, it has been classified as a Variant of Uncertain Significance.